The following is an entry in ClinVar:

ClinVar aggregate classification (germline): Likely benign (0 of 4 stars; one submission).

Conditions:
NOTCH2-related disorder. Also called: NOTCH2-related condition.

Submission:

PreventionGenetics, part of Exact Sciences
Classification: Likely benign for NOTCH2-related condition. Last evaluated: 2021-09-16. Review status: no assertion criteria provided. Collection method: clinical testing. Allele origin: germline.
Comment: This variant is classified as likely benign based on ACMG/AMP sequence variant interpretation guidelines (Richards et al. 2015 PMID: 25741868, with internal and published modifications).

NM_024408.4(NOTCH2):c.5619A>C (p.Thr1873=)

Gene: NOTCH2 (notch receptor 2; minus strand). Cytogenetic location: 1p12.
Variant type: single nucleotide variant.
Coding change: c.5619A>C on transcript NM_024408.4 (MANE Select); coding-DNA position 5619, A replaced by C.
Protein change: p.Thr1873=; no amino-acid change (threonine 1873 retained).
Molecular consequence: synonymous variant.
Genome position (GRCh38, 1-based): chr1:119,919,474, T>G on the plus strand (A>C on the coding strand, the complement: NOTCH2 is on the minus strand). VCF-style: chr1-119919474-T-G. GRCh37 (hg19) VCF-style: chr1-120462097-T-G.
Identifiers: ClinVar variation 3038247 (VCV003038247.2), dbSNP rs1649197378, ClinGen allele CA420190247.